The following is an entry in ClinVar:

NM_001351132.2(PEX5):c.-20C>G

Gene: PEX5 (peroxisomal biogenesis factor 5; plus strand). Cytogenetic location: 12p13.31.
Variant type: single nucleotide variant.
Coding change: c.-20C>G on transcript NM_001351132.2 (MANE Select); 20 bases upstream of the start codon, C replaced by G.
Molecular consequence: 5 prime UTR variant. On other transcripts: intron variant (4).
Genome position (GRCh38, 1-based): chr12:7,189,747, C>G. VCF-style: chr12-7189747-C-G. GRCh37 (hg19) VCF-style: chr12-7342343-C-G.
Other names: c.-20C>G (NM_000319.5, NM_001131023.2, NM_001131024.2 and 4 more transcripts); c.-486C>G (NM_001131025.2, NM_001351130.3); c.-250C>G (NM_001300789.3, NM_001351135.3, NM_001351137.3); c.-215C>G (NM_001351127.2, NM_001351133.2, NM_001351140.2); c.-93C>G (NM_001351128.2, NM_001351134.2); c.-18C>G (NM_001374645.1); c.-631C>G (NM_001374647.2, NM_001374648.2, NM_001374649.2); c.-16-615C>G (NM_001351124.3); and 2 more.
Identifiers: ClinVar variation 310406 (VCV000310406.6), dbSNP rs12227917, ClinGen allele CA10633526.
Genomic context (GRCh38, chr12:7,189,747, plus strand): 5'-TCTTCTCCCCTCCCCCAAGCCAGCACCTGGTGCCCCGGCGGGTCGTGCGGCGCGGCGCTC[C>G]GCGGTGAGCGCCTGACCCCGAGGGGGCCCGGGGCCGCGTCCCTGGGCCCTCCCCACCCTT-3'

ClinVar aggregate classification (germline): Benign. Review status: criteria provided, multiple submitters, no conflicts (2 of 4 stars). 2 submissions from 2 submitters: Benign (2). Last evaluated 2018-01-13.

Conditions:
Peroxisome biogenesis disorder 2A (Zellweger) (PBD2A). Also called: Cerebrohepatorenal syndrome, variant types. Identifiers: Orphanet 912, MedGen C3550273, MONDO:0008954, OMIM 214110.

Allele frequency attached by ClinVar (database versions not stated): 1000 Genomes Project 0.40036; 1000 Genomes Project 30x 0.40522; TOPMed 0.43131.
gnomAD v4.1: 211,281 of 427,362 alleles (49%); highest among the groups gnomAD compares: Admixed American, 62%; 55,796 homozygotes.

Submissions (2):

Illumina Laboratory Services, Illumina
Classification: Benign for Peroxisome biogenesis disorder 2A (Zellweger). Last evaluated: 2018-01-13. Review status: criteria provided, single submitter. Criteria: ICSL Variant Classification Criteria 13 December 2019. Collection method: clinical testing. Allele origin: germline.
Comment: This variant was observed in the ICSL laboratory as part of a predisposition screen in an ostensibly healthy population. It had not been previously curated by ICSL or reported in the Human Gene Mutation Database (HGMD: prior to June 1st, 2018), and was therefore a candidate for classification through an automated scoring system. Utilizing variant allele frequency, disease prevalence and penetrance estimates, and inheritance mode, an automated score was calculated to assess if this variant is too frequent to cause the disease. Based on the score and internal cut-off values, a variant classified as benign is not then subjected to further curation. The score for this variant resulted in a classification of benign for this disease.

Breakthrough Genomics
Classification: Benign. Review status: criteria provided, single submitter. Criteria: ACMG Guidelines, 2015. Collection method: not provided. Allele origin: germline. Inheritance: Autosomal recessive inheritance. Affected: yes.